The following is an entry in ClinVar:

ClinVar aggregate classification (germline): Likely benign. Review status: criteria provided, multiple submitters, no conflicts (2 of 4 stars). 2 submissions from 2 submitters: Likely benign (2). Last evaluated 2016-03-28.

Allele frequency attached by ClinVar (database versions not stated): 1000 Genomes Project 30x 0.01483; 1000 Genomes Project 0.01518; ESP Exome Variant Server 0.01970; TOPMed 0.02143; gnomAD exomes 0.02673.

Submissions (2):

Laboratory for Molecular Medicine, Mass General Brigham Personalized Medicine
Classification: Likely benign. Last evaluated: 2016-03-28. Review status: criteria provided, single submitter. Criteria: LMM Criteria. Collection method: clinical testing. Allele origin: germline.
Comment: Variant identified in a genome or exome case(s) and assessed due to predicted null impact of the variant or pathogenic assertions in the literature or databases. Disclaimer: This variant has not undergone full assessment. The following are preliminary notes: Frequency

Breakthrough Genomics
Classification: Likely benign. Review status: criteria provided, single submitter. Criteria: ACMG Guidelines, 2015. Collection method: not provided. Allele origin: germline. Inheritance: Autosomal dominant inheritance. Affected: yes.

NM_002458.3(MUC5B):c.9179A>C (p.Lys3060Thr)

Genes: MUC5B-AS1 (MUC5B antisense RNA 1; minus strand), MUC5B (mucin 5B, oligomeric mucus/gel-forming; plus strand). Cytogenetic location: 11p15.5.
Variant type: single nucleotide variant.
Coding change: c.9179A>C on transcript NM_002458.3 (MANE Select); coding-DNA position 9179, A replaced by C.
Protein change: p.Lys3060Thr; replaces lysine 3060 with threonine.
Molecular consequence: missense variant.
Genome position (GRCh38, 1-based): chr11:1,246,059, A>C. VCF-style: chr11-1246059-A-C. GRCh37 (hg19) VCF-style: chr11-1267289-A-C.
Other names: short protein forms K3060T.
Identifiers: ClinVar variation 403188 (VCV000403188.5), dbSNP rs184565965, ClinGen allele CA5806882.